The following is an entry in ClinVar:

ClinVar aggregate classification (germline): Uncertain significance (1 of 4 stars; one submission).

gnomAD v4.1: 1 of 1,614,026 alleles (0.000062%); highest among the groups gnomAD compares: East Asian, 0.0022%; no homozygotes.

Submission:

Ambry Genetics
Classification: Uncertain significance. Last evaluated: 2026-01-14. Review status: criteria provided, single submitter. Criteria: Ambry Variant Classification Scheme 2023. Collection method: clinical testing. Allele origin: germline.
Comment: The p.A130V variant (also known as c.389C>T), located in coding exon 4 of the SRP72 gene, results from a C to T substitution at nucleotide position 389. The alanine at codon 130 is replaced by valine, an amino acid with similar properties. This amino acid position is conserved. In addition, this alteration is predicted to be tolerated by in silico analysis. Based on the available evidence, the clinical significance of this variant remains unclear.

NM_006947.4(SRP72):c.389C>T (p.Ala130Val)

Gene: SRP72 (signal recognition particle 72; plus strand). Cytogenetic location: 4q12.
Variant type: single nucleotide variant.
Coding change: c.389C>T on transcript NM_006947.4 (MANE Select); coding-DNA position 389, C replaced by T.
Protein change: p.Ala130Val; replaces alanine 130 with valine.
Molecular consequence: missense variant. On other transcripts: non-coding transcript variant (1).
Genome position (GRCh38, 1-based): chr4:56,474,088, C>T. VCF-style: chr4-56474088-C-T. GRCh37 (hg19) VCF-style: chr4-57340254-C-T.
Other names: c.389C>T, p.Ala130Val (NM_001267722.2); short protein forms A130V.
Identifiers: ClinVar variation 4841460 (VCV004841460.1).
Genomic context (GRCh38, chr4:56,474,088, plus strand): 5'-TTTTTTACTTGCTATTTATTATTCAGTTATACCGTTTGGAACGCTATGATGAATGCTTAG[C>T]AGTGTATAGAGATCTCGTCCGAAACTCCCAAGATGATTATGATGAGGAGAGGAAAACAAA-3'
Protein context (NP_008878.3, residues 120-140): YRLERYDECL[Ala130Val]VYRDLVRNSQ